The following is an entry in ClinVar:

ClinVar aggregate classification (germline): Benign/Likely benign. Review status: criteria provided, multiple submitters, no conflicts (2 of 4 stars). 11 submissions from 11 submitters: Benign (2); Likely benign (8). 1 of the submissions does not count toward it. Last evaluated 2026-09-01.

Conditions:
TRIOBP-related disorder. Also called: TRIOBP-related condition.
Deafness. Identifiers: MedGen C0011053.
Autosomal recessive nonsyndromic hearing loss 28. Identifiers: Orphanet 90636, MedGen C1853276, MONDO:0012355, OMIM 609823.

Allele frequency attached by ClinVar (database versions not stated): 1000 Genomes Project 0.00040; 1000 Genomes Project 30x 0.00047; gnomAD 0.00225 and 0.00238; TOPMed 0.00250; gnomAD exomes 0.00251 and 0.00382; ESP Exome Variant Server 0.00270; ExAC 0.00320.

Submissions (11):

CeGaT Center for Human Genetics Tuebingen
Classification: Likely benign. Last evaluated: 2026-09-01. Review status: criteria provided, single submitter. Criteria: CeGaT Center For Human Genetics Tuebingen Variant Classification Criteria Version 2. Collection method: clinical testing. Allele origin: germline. Affected: yes. Observed: 6 variant alleles.
Comment: TRIOBP: BP4, BS2

Labcorp Genetics (formerly Invitae), Labcorp
Classification: Likely benign. Last evaluated: 2026-01-19. Review status: criteria provided, single submitter. Criteria: Invitae Variant Classification Sherloc (09022015). Collection method: clinical testing. Allele origin: germline.

Blueprint Genetics
Classification: Likely benign. Last evaluated: 2024-11-26. Review status: criteria provided, single submitter. Criteria: ACMG Guidelines, 2015. Collection method: clinical testing. Allele origin: germline.

ARUP Laboratories, Molecular Genetics and Genomics, ARUP Laboratories
Classification: Likely benign for Autosomal recessive nonsyndromic hearing loss 28. Last evaluated: 2021-02-05. Review status: criteria provided, single submitter. Criteria: ARUP Molecular Germline Variant Investigation Process 2021. Collection method: clinical testing. Allele origin: germline.

Athena Diagnostics
Classification: Likely benign. Last evaluated: 2020-07-24. Review status: criteria provided, single submitter. Criteria: Athena Diagnostics Criteria. Collection method: clinical testing. Allele origin: unknown.

GeneDx
Classification: Benign. Last evaluated: 2018-09-14. Review status: criteria provided, single submitter. Criteria: GeneDx Variant Classification Process June 2021. Collection method: clinical testing. Allele origin: germline. Affected: yes.

Genomic Diagnostic Laboratory, Division of Genomic Diagnostics, Children's Hospital of Philadelphia
Classification: Likely benign for Autosomal recessive nonsyndromic hearing loss 28. Last evaluated: 2018-05-03. Review status: criteria provided, single submitter. Criteria: DGD Variant Analysis Guidelines. Collection method: clinical testing. Allele origin: germline.

Center for Pediatric Genomic Medicine, Children's Mercy Hospital and Clinics
Classification: Likely benign. Last evaluated: 2017-02-08. Review status: criteria provided, single submitter. Criteria: ACMG Guidelines, 2015. Collection method: clinical testing. Allele origin: germline.
ClinVar note: Converted during submission from Likely Benign to Likely benign.

Laboratory for Molecular Medicine, Mass General Brigham Personalized Medicine
Classification: Benign. Last evaluated: 2012-04-30. Review status: criteria provided, single submitter. Criteria: LMM Criteria. Collection method: clinical testing. Allele origin: germline. Observed: 14 variant alleles.
Comment: Arg1344Gln in Exon 08 of TRIOBP: This variant is not expected to have clinical s ignificance because it has been identified in 0.5% (30/6466) of European America n chromosomes from a broad population by the NHLBI Exome Sequencing Project (dbSNP rs34066624).

Breakthrough Genomics
Classification: Likely benign. Review status: criteria provided, single submitter. Criteria: ACMG Guidelines, 2015. Collection method: not provided. Allele origin: germline. Inheritance: Autosomal recessive inheritance. Affected: yes.

PreventionGenetics, part of Exact Sciences
Classification: Benign for TRIOBP-related condition. Last evaluated: 2020-10-02. Review status: no assertion criteria provided. Collection method: clinical testing. Allele origin: germline. Not counted in ClinVar's aggregate classification.
Comment: This variant is classified as benign based on ACMG/AMP sequence variant interpretation guidelines (Richards et al. 2015 PMID: 25741868, with internal and published modifications).

NM_001039141.3(TRIOBP):c.4031G>A (p.Arg1344Gln)

Gene: TRIOBP (TRIO and F-actin binding protein; plus strand). Cytogenetic location: 22q13.1.
Variant type: single nucleotide variant.
Coding change: c.4031G>A on transcript NM_001039141.3 (MANE Select); coding-DNA position 4031, G replaced by A.
Protein change: p.Arg1344Gln; replaces arginine 1344 with glutamine.
Molecular consequence: missense variant.
Genome position (GRCh38, 1-based): chr22:37,733,381, G>A. VCF-style: chr22-37733381-G-A. GRCh37 (hg19) VCF-style: chr22-38129388-G-A.
Other names: short protein forms R1344Q.
Identifiers: ClinVar variation 165587 (VCV000165587.69), dbSNP rs34066624, ClinGen allele CA178329.